The following is an entry in ClinVar:

ClinVar aggregate classification (germline): Uncertain significance (1 of 4 stars; one submission).

Conditions:
Vici syndrome (VICIS). Identifiers: Orphanet 1493, MedGen C1855772, MONDO:0009452, OMIM 242840.

Allele frequency attached by ClinVar (database versions not stated): gnomAD exomes 0.00001.
gnomAD v4.1: 14 of 1,614,180 alleles (0.00087%); highest among the groups gnomAD compares: African/African-American, 0.0027%; no homozygotes.

Submission:

Labcorp Genetics (formerly Invitae), Labcorp
Classification: Uncertain significance for Vici syndrome. Last evaluated: 2025-05-05. Review status: criteria provided, single submitter. Criteria: Invitae Variant Classification Sherloc (09022015). Collection method: clinical testing. Allele origin: germline.
Comment: This sequence change replaces alanine, which is neutral and non-polar, with valine, which is neutral and non-polar, at codon 2317 of the EPG5 protein (p.Ala2317Val). This variant is not present in population databases (gnomAD no frequency). This variant has not been reported in the literature in individuals affected with EPG5-related conditions. ClinVar contains an entry for this variant (Variation ID: 1930322). Invitae Evidence Modeling of protein sequence and biophysical properties (such as structural, functional, and spatial information, amino acid conservation, physicochemical variation, residue mobility, and thermodynamic stability) indicates that this missense variant is expected to disrupt EPG5 protein function with a positive predictive value of 80%. In summary, the available evidence is currently insufficient to determine the role of this variant in disease. Therefore, it has been classified as a Variant of Uncertain Significance.

NM_020964.3(EPG5):c.6950C>T (p.Ala2317Val)

Gene: EPG5 (ectopic P-granules 5 autophagy tethering factor; minus strand). Cytogenetic location: 18q12.3.
Variant type: single nucleotide variant.
Coding change: c.6950C>T on transcript NM_020964.3 (MANE Select); coding-DNA position 6950, C replaced by T.
Protein change: p.Ala2317Val; replaces alanine 2317 with valine.
Molecular consequence: missense variant.
Genome position (GRCh38, 1-based): chr18:45,860,163, G>A on the plus strand (C>T on the coding strand, the complement: EPG5 is on the minus strand). VCF-style: chr18-45860163-G-A. GRCh37 (hg19) VCF-style: chr18-43440128-G-A.
Other names: c.6950C>T, p.Ala2317Val (NM_001410858.1); c.6947C>T, p.Ala2316Val (NM_001410859.1); short protein forms A2316V, A2317V.
Identifiers: ClinVar variation 1930322 (VCV001930322.3), dbSNP rs2511458575, ClinGen allele CA402337237.